The following is an entry in ClinVar:

ClinVar aggregate classification (germline): Uncertain significance. Review status: criteria provided, multiple submitters, no conflicts (2 of 4 stars). 2 submissions from 2 submitters: Uncertain significance (2). Last evaluated 2025-01-28.

Conditions:
Primary ciliary dyskinesia 23 (CILD23). Also called: CILIARY DYSKINESIA, PRIMARY, 23, WITH OR WITHOUT SITUS INVERSUS. Identifiers: Orphanet 244, MedGen C3809548, MONDO:0014193, OMIM 615451.
Primary ciliary dyskinesia. Also called: Ciliary dyskinesia. Identifiers: Orphanet 244, MedGen C0008780, MONDO:0016575, HP:0012265.

Allele frequency attached by ClinVar (database versions not stated): ExAC 0.00001; gnomAD 0.00001; gnomAD exomes 0.00001 and 0.00002; TOPMed 0.00001.
gnomAD v4.1: 33 of 1,613,680 alleles (0.002%); highest among the groups gnomAD compares: African/African-American, 0.0027%; no homozygotes.

Submissions (2):

Ambry Genetics
Classification: Uncertain significance for Primary ciliary dyskinesia. Last evaluated: 2025-01-28. Review status: criteria provided, single submitter. Criteria: Ambry Variant Classification Scheme 2023. Collection method: clinical testing. Allele origin: germline.
Comment: The p.R340H variant (also known as c.1019G>A), located in coding exon 7 of the ARMC4 gene, results from a G to A substitution at nucleotide position 1019. The arginine at codon 340 is replaced by histidine, an amino acid with highly similar properties. This amino acid position is conserved. In addition, this alteration is predicted to be tolerated by in silico analysis. Based on the available evidence, the clinical significance of this variant remains unclear.

Labcorp Genetics (formerly Invitae), Labcorp
Classification: Uncertain significance for Primary ciliary dyskinesia 23. Last evaluated: 2021-07-24. Review status: criteria provided, single submitter. Criteria: Invitae Variant Classification Sherloc (09022015). Collection method: clinical testing. Allele origin: germline.
Comment: In summary, the available evidence is currently insufficient to determine the role of this variant in disease. Therefore, it has been classified as a Variant of Uncertain Significance. Algorithms developed to predict the effect of missense changes on protein structure and function output the following: SIFT: "Tolerated"; PolyPhen-2: "Benign"; Align-GVGD: "Class C0". The histidine amino acid residue is found in multiple mammalian species, which suggests that this missense change does not adversely affect protein function. This variant has not been reported in the literature in individuals affected with ARMC4-related conditions. This variant is present in population databases (rs370110172, ExAC 0.01%). This sequence change replaces arginine with histidine at codon 340 of the ARMC4 protein (p.Arg340His). The arginine residue is weakly conserved and there is a small physicochemical difference between arginine and histidine.

NM_018076.5(ODAD2):c.1019G>A (p.Arg340His)

Gene: ODAD2 (outer dynein arm docking complex subunit 2; minus strand). Cytogenetic location: 10p12.1.
Variant type: single nucleotide variant.
Coding change: c.1019G>A on transcript NM_018076.5 (MANE Select); coding-DNA position 1019, G replaced by A.
Protein change: p.Arg340His; replaces arginine 340 with histidine.
Molecular consequence: missense variant. On other transcripts: intron variant (1).
Genome position (GRCh38, 1-based): chr10:27,971,231, C>T on the plus strand (G>A on the coding strand, the complement: ODAD2 is on the minus strand). VCF-style: chr10-27971231-C-T. GRCh37 (hg19) VCF-style: chr10-28260160-C-T.
Other names: c.1019G>A, p.Arg340His (NM_001290020.2); c.95G>A, p.Arg32His (NM_001312689.2); c.-187-9516G>A (NM_001290021.2); c.1019G>A (NM_018076.2); short protein forms R32H, R340H.
Identifiers: ClinVar variation 1681386 (VCV001681386.8), dbSNP rs370110172, ClinGen allele CA5453650.
Genomic context (GRCh38, chr10:27,971,231, plus strand): 5'-CTCCAAAAATTAATTTGGTTCTTCTCCAGTGACCTTTTGTCTGAACCAGAAATGTCTTTG[C>T]GGAGGGCAGCTGCTTCTTCCTTCTTGGGGGCTTTGCCAAGCTGATCCTTTTCCTTTTGCT-3'
Protein context (NP_060546.2, residues 330-350): APKKEEAAAL[Arg340His]KDISGSDKRS